The following is an entry in ClinVar:

NM_001104631.2(PDE4D):c.2051A>G (p.Glu684Gly)

Gene: PDE4D (phosphodiesterase 4D; minus strand). Cytogenetic location: 5q11.2.
Variant type: single nucleotide variant.
Coding change: c.2051A>G on transcript NM_001104631.2 (MANE Select); coding-DNA position 2051, A replaced by G.
Protein change: p.Glu684Gly; replaces glutamic acid 684 with glycine.
Molecular consequence: missense variant.
Genome position (GRCh38, 1-based): chr5:58,975,043, T>C on the plus strand (A>G on the coding strand, the complement: PDE4D is on the minus strand). VCF-style: chr5-58975043-T-C. GRCh37 (hg19) VCF-style: chr5-58270870-T-C.
Other names: c.1868A>G, p.Glu623Gly (NM_001165899.2, NM_001364599.1); c.1859A>G, p.Glu620Gly (NM_001197218.2); c.1685A>G, p.Glu562Gly (NM_001197219.2); c.1661A>G, p.Glu554Gly (NM_001197220.2); c.1145A>G, p.Glu382Gly (NM_001197221.2, NM_001364603.1); c.1379A>G, p.Glu460Gly (NM_001197222.2); c.1178A>G, p.Glu393Gly (NM_001197223.2); c.1838A>G, p.Glu613Gly (NM_001349241.2); and 3 more; short protein forms E382G, E393G, E428G, E460G, E548G, E554G, E562G, E574G.
Identifiers: ClinVar variation 989238 (VCV000989238.4), dbSNP rs1743358464, ClinGen allele CA359813557.
Genomic context (GRCh38, chr5:58,975,043, plus strand): 5'-TTGTCCTCCAAAGTGTCCAAAATATCCTGGGCGTCAGGGTGGACGAGGTCTGCCCATGTC[T>C]CCCAGAGGGGATGAACAATATAGTCTATGAAGCCCACCTAGTTAAGAAAAAAATCCAGTA-3'
Protein context (NP_001098101.1, residues 674-694): FIDYIVHPLW[Glu684Gly]TWADLVHPDA

ClinVar aggregate classification (germline): Likely pathogenic (1 of 4 stars; one submission).

Conditions:
Acrodysostosis 2 with or without hormone resistance. Also called: ACRODYSOSTOSIS 2 WITHOUT HORMONE RESISTANCE; ACRODYSOSTOSIS 2 WITH HORMONE RESISTANCE. Identifiers: Orphanet 280651, MedGen C3553250, MONDO:0013822, OMIM 614613.

Submission:

Illumina Laboratory Services, Illumina
Classification: Likely pathogenic for Acrodysostosis 2 with or without hormone resistance. Last evaluated: 2019-08-02. Review status: criteria provided, single submitter. Criteria: ICSLVariantClassificationCriteria RUGD 01 April 2020. Collection method: clinical testing. Allele origin: unknown.
Comment: The PDE4D c.2051A>G (p.Glu684Gly) variant is a missense variant. A literature search was performed for the gene, cDNA change, and amino acid change. No publications were found based on this search. The p.Glu684Gly variant is not found in the Genome Aggregation Database in a region of good sequence coverage, so the variant is presumed to be rare. The Glu684 residue maps to the PDEase domain, which is a conserved catalytic region (Johnston et al. 2004). Based on the variant's identification in a de novo state, its rarity, and low rates of benign variants in the PDE4D gene, the p.Glu684Gly variant is classified as likely pathogenic for acrodysostosis type 2.

Literature cited by the submitters: PubMed 15025561.